The following is an entry in ClinVar:

NM_000528.4(MAN2B1):c.1927del (p.Trp643fs)

Gene: MAN2B1 (mannosidase alpha class 2B member 1; minus strand). Cytogenetic location: 19p13.13.
Variant type: Deletion.
Coding change: c.1927del on transcript NM_000528.4 (MANE Select); coding-DNA position 1927, one base deleted (T; older notation c.1927delT).
Protein change: p.Trp643fs; shifts the reading frame from tryptophan 643.
Molecular consequence: frameshift variant.
Genome position (GRCh38, 1-based): chr19:12,652,364, A deleted on the plus strand (T on the coding strand, the reverse complement: MAN2B1 is on the minus strand). VCF-style (leftmost placement, unchanged base first): chr19-12652363-CA-C. GRCh37 (hg19) VCF-style: chr19-12763177-CA-C.
Other names: c.1924del, p.Trp642fs (NM_001173498.2); c.1930del, p.Trp644fs (NM_001440570.1); short protein forms W642fs, W643fs, W644fs.
Identifiers: ClinVar variation 5014173 (VCV005014173.1).

ClinVar aggregate classification (germline): Pathogenic (1 of 4 stars; one submission).

Conditions:
Deficiency of alpha-mannosidase (MANSA). Also called: LYSOSOMAL ALPHA-D-MANNOSIDASE DEFICIENCY; Alpha-Mannosidosis; Mannosidosis, alpha-, types I and II. Identifiers: Orphanet 61, MedGen C0024748, MONDO:0009561, OMIM 248500.

Submission:

Myriad Genetics, Inc.
Classification: Pathogenic for Deficiency of alpha-mannosidase. Last evaluated: 2025-03-02. Review status: criteria provided, single submitter. Criteria: Myriad Autosomal Dominant, Autosomal Recessive and X-Linked Classification Criteria (2023). Collection method: clinical testing. Allele origin: unknown.
Comment: NM_000528.3(MAN2B1):c.1927delT(W643Gfs*6) is expected to be pathogenic in the context of alpha-mannosidosis. This variant is predicted to lead to an abnormal or absent protein product due to the creation of a premature termination codon in MAN2B1, a gene where loss-of-function variants are known to be pathogenic. Please note: this variant was assessed in the context of healthy population screening.